The following is an entry in ClinVar:

NM_004364.5(CEBPA):c.423C>T (p.Gly141=)

Gene: CEBPA (CCAAT enhancer binding protein alpha; minus strand). Cytogenetic location: 19q13.11.
Variant type: single nucleotide variant.
Coding change: c.423C>T on transcript NM_004364.5 (MANE Select); coding-DNA position 423, C replaced by T.
Protein change: p.Gly141=; no amino-acid change (glycine 141 retained).
Molecular consequence: synonymous variant.
Genome position (GRCh38, 1-based): chr19:33,301,992, G>A on the plus strand (C>T on the coding strand, the complement: CEBPA is on the minus strand). VCF-style: chr19-33301992-G-A. GRCh37 (hg19) VCF-style: chr19-33792898-G-A.
Other names: c.66C>T, p.Gly22= (NM_001285829.2); c.528C>T, p.Gly176= (NM_001287424.2); c.381C>T, p.Gly127= (NM_001287435.2).
Identifiers: ClinVar variation 2013851 (VCV002013851.5), dbSNP rs2145262207, ClinGen allele CA507007815.
Genomic context (GRCh38, chr19:33,301,992, plus strand): 5'-CTTGATCACCAGCGGCCGCAGCGCCGGCGCCCCGACGCGCTCGTACAGGGGCTCCAGCCT[G>A]CCGTCCAGGTAGCCGGCGGCCGCGCAGCCGTAGCCGGGCGGGGGCCCGTGCGCTCCCCCG-3'
Protein context (NP_004355.2, residues 131-151): YGCAAAGYLD[Gly141=]RLEPLYERVG

ClinVar aggregate classification (germline): Conflicting classifications of pathogenicity. Review status: criteria provided, conflicting classifications (1 of 4 stars). 2 submissions from 2 submitters: Uncertain significance (1); Likely benign (1). Last evaluated 2024-12-08.

Conditions:
Inborn genetic diseases. Identifiers: MedGen C0950123, MeSH D030342.
Acute myeloid leukemia (AML). Also called: Acute myeloid leukemia, adult; AML adult; Acute non-lymphocytic leukemia; Acute granulocytic leukemia; Leukemia, acute myeloid, somatic; Leukemia, acute myelogenous, somatic. Identifiers: Orphanet 519, MedGen C0023467, MeSH D015470, MONDO:0018874, OMIM 601626, HP:0004808. Disease mechanism: Constitutively activated FLT3.

Submissions (2):

Ambry Genetics
Classification: Likely benign for Inborn genetic diseases. Last evaluated: 2024-12-08. Review status: criteria provided, single submitter. Criteria: Ambry Variant Classification Scheme 2023. Collection method: clinical testing. Allele origin: germline.

Labcorp Genetics (formerly Invitae), Labcorp
Classification: Uncertain significance for Acute myeloid leukemia. Last evaluated: 2022-07-03. Review status: criteria provided, single submitter. Criteria: Invitae Variant Classification Sherloc (09022015). Collection method: clinical testing. Allele origin: germline.
Comment: This sequence change affects codon 141 of the CEBPA mRNA. It is a 'silent' change, meaning that it does not change the encoded amino acid sequence of the CEBPA protein. The frequency data for this variant in the population databases is considered unreliable, as metrics indicate insufficient coverage at this position in the gnomAD database. This variant has not been reported in the literature in individuals affected with CEBPA-related conditions. In summary, the available evidence is currently insufficient to determine the role of this variant in disease. Therefore, it has been classified as a Variant of Uncertain Significance.